The following is an entry in ClinVar:

NM_001377405.1(ATXN7):c.1659G>A (p.Lys553=)

Gene: ATXN7 (ataxin 7; plus strand). Cytogenetic location: 3p14.1.
Variant type: single nucleotide variant.
Coding change: c.1659G>A on transcript NM_001377405.1 (MANE Select); coding-DNA position 1659, G replaced by A.
Protein change: p.Lys553=; no amino-acid change (lysine 553 retained).
Molecular consequence: synonymous variant.
Genome position (GRCh38, 1-based): chr3:63,990,836, G>A. VCF-style: chr3-63990836-G-A. GRCh37 (hg19) VCF-style: chr3-63976512-G-A.
Other names: c.1659G>A, p.Lys553= (NM_000333.4, NM_001177387.1, NM_001377406.1); c.1224G>A, p.Lys408= (NM_001128149.3).
Identifiers: ClinVar variation 3051245 (VCV003051245.2), dbSNP rs180704942, ClinGen allele CA2478635.

ClinVar aggregate classification (germline): Benign (0 of 4 stars; one submission).

Conditions:
ATXN7-related disorder. Also called: ATXN7-related condition.

Allele frequency attached by ClinVar (database versions not stated): ExAC 0.00060; 1000 Genomes Project 30x 0.00094; 1000 Genomes Project 0.00100; gnomAD 0.00157; TOPMed 0.00183; ESP Exome Variant Server 0.00190.
gnomAD v4.1: 467 of 1,614,254 alleles (0.029%); highest among the groups gnomAD compares: African/African-American, 0.54%; 2 homozygotes.

Submission:

PreventionGenetics, part of Exact Sciences
Classification: Benign for ATXN7-related condition. Last evaluated: 2020-06-09. Review status: no assertion criteria provided. Collection method: clinical testing. Allele origin: germline.
Comment: This variant is classified as benign based on ACMG/AMP sequence variant interpretation guidelines (Richards et al. 2015 PMID: 25741868, with internal and published modifications).